The following is an entry in ClinVar:

NM_000038.6(APC):c.6481A>G (p.Ser2161Gly)

Gene: APC (APC regulator of Wnt signaling pathway; plus strand). Cytogenetic location: 5q22.2.
Variant type: single nucleotide variant.
Coding change: c.6481A>G on transcript NM_000038.6 (MANE Select); coding-DNA position 6481, A replaced by G.
Protein change: p.Ser2161Gly; replaces serine 2161 with glycine.
Molecular consequence: missense variant.
Genome position (GRCh38, 1-based): chr5:112,842,075, A>G. VCF-style: chr5-112842075-A-G. GRCh37 (hg19) VCF-style: chr5-112177772-A-G.
Other names: c.6481A>G, p.Ser2161Gly (NM_001127510.3, NM_001354895.2); c.6427A>G, p.Ser2143Gly (NM_001127511.3); c.6535A>G, p.Ser2179Gly (NM_001354896.2); c.6511A>G, p.Ser2171Gly (NM_001354897.2); c.6406A>G, p.Ser2136Gly (NM_001354898.2); c.6397A>G, p.Ser2133Gly (NM_001354899.2); c.6358A>G, p.Ser2120Gly (NM_001354900.2); c.6304A>G, p.Ser2102Gly (NM_001354901.2); and 5 more; short protein forms S2161G, S2143G, S2001G, S2070G, S2133G, S1878G, S2035G, S2102G.
Identifiers: ClinVar variation 537419 (VCV000537419.17), dbSNP rs1162723112, ClinGen allele CA16035515.

ClinVar aggregate classification (germline): Uncertain significance. Review status: criteria provided, multiple submitters, no conflicts (2 of 4 stars). 7 submissions from 7 submitters: Uncertain significance (7). Last evaluated 2025-06-15.

Conditions:
Hereditary cancer-predisposing syndrome. Also called: Tumor predisposition; Hereditary Cancer Syndrome; Hereditary neoplastic syndrome; Neoplastic Syndromes, Hereditary. Identifiers: Orphanet 140162, MedGen C0027672, MeSH D009386, MONDO:0015356.
Classic or attenuated familial adenomatous polyposis. Identifiers: MedGen CN372698, MONDO:0021057.
Familial adenomatous polyposis 1 (FAP1). Also called: FAMILIAL ADENOMATOUS POLYPOSIS 1, ATTENUATED; POLYPOSIS, ADENOMATOUS INTESTINAL. Identifiers: MedGen C2713442, MONDO:0021056, OMIM 175100. Disease mechanism: loss of function.

gnomAD v4.1: 4 of 1,611,998 alleles (0.00025%); highest among the groups gnomAD compares: Non-Finnish European, 0.00034%; no homozygotes.

Submissions (7):

Labcorp Genetics (formerly Invitae), Labcorp
Classification: Uncertain significance for Familial adenomatous polyposis 1. Last evaluated: 2025-06-15. Review status: criteria provided, single submitter. Criteria: Invitae Variant Classification Sherloc (09022015). Collection method: clinical testing. Allele origin: germline.
Comment: This sequence change replaces serine, which is neutral and polar, with glycine, which is neutral and non-polar, at codon 2161 of the APC protein (p.Ser2161Gly). This variant is not present in population databases (gnomAD no frequency). This variant has not been reported in the literature in individuals affected with APC-related conditions. ClinVar contains an entry for this variant (Variation ID: 537419). Invitae Evidence Modeling of protein sequence and biophysical properties (such as structural, functional, and spatial information, amino acid conservation, physicochemical variation, residue mobility, and thermodynamic stability) indicates that this missense variant is not expected to disrupt APC protein function with a negative predictive value of 95%. Algorithms developed to predict the effect of sequence changes on RNA splicing suggest that this variant may create or strengthen a splice site. In summary, the available evidence is currently insufficient to determine the role of this variant in disease. Therefore, it has been classified as a Variant of Uncertain Significance.

Quest Diagnostics Nichols Institute San Juan Capistrano
Classification: Uncertain significance. Last evaluated: 2024-12-13. Review status: criteria provided, single submitter. Criteria: Quest Diagnostics criteria. Collection method: clinical testing. Allele origin: unknown.
Comment: The APC c.6481A>G (p.Ser2161Gly) variant has not been reported in individuals with APC-related conditions in the published literature. It also has not been reported in large, multi-ethnic general populations (Genome Aggregation Database). Analysis of this variant using bioinformatics tools for the prediction of the effect of amino acid changes on protein structure and function yielded conflicting predictions that this variant is deleterious or benign. Additional analysis using software algorithms for the prediction of the effect of nucleotide changes on APC mRNA splicing yielded predictions that this variant may result in the gain of a cryptic splice site without affecting the natural splice sites. Based on the available information, we are unable to determine the clinical significance of this variant.

Color Diagnostics, LLC DBA Color Health
Classification: Uncertain significance for Hereditary cancer-predisposing syndrome. Last evaluated: 2024-03-07. Review status: criteria provided, single submitter. Criteria: ACMG Guidelines, 2015. Collection method: clinical testing. Allele origin: germline.
Comment: This missense variant replaces serine with glycine at codon 2161 of the APC protein. Computational prediction suggests that this variant may not impact protein structure and function (internally defined REVEL score threshold <= 0.5, PMID: 27666373). To our knowledge, functional studies have not been reported for this variant. This variant has not been reported in individuals affected with APC-related disorders in the literature. This variant has not been identified in the general population by the Genome Aggregation Database (gnomAD). The available evidence is insufficient to determine the role of this variant in disease conclusively. Therefore, this variant is classified as a Variant of Uncertain Significance.

Ambry Genetics
Classification: Uncertain significance for Hereditary cancer-predisposing syndrome. Last evaluated: 2024-01-30. Review status: criteria provided, single submitter. Criteria: Ambry Variant Classification Scheme 2023. Collection method: clinical testing. Allele origin: germline.
Comment: The p.S2161G variant (also known as c.6481A>G), located in coding exon 15 of the APC gene, results from an A to G substitution at nucleotide position 6481. The serine at codon 2161 is replaced by glycine, an amino acid with similar properties. This amino acid position is well conserved in available vertebrate species. In addition, in silico predictors for this gene do not accurately predict pathogenicity. Since supporting evidence is limited at this time, the clinical significance of this alteration remains unclear.

Baylor Genetics
Classification: Uncertain significance for Familial adenomatous polyposis 1. Last evaluated: 2023-10-09. Review status: criteria provided, single submitter. Criteria: ACMG Guidelines, 2015. Collection method: clinical testing. Allele origin: unknown.

All of Us Research Program, National Institutes of Health
Classification: Uncertain significance for Classic or attenuated familial adenomatous polyposis. Last evaluated: 2023-04-03. Review status: criteria provided, single submitter. Criteria: ACMG Guidelines, 2015. Collection method: clinical testing. Allele origin: germline. Inheritance: Autosomal dominant inheritance. Observed: 1 variant allele, 1 heterozygote.
Comment: This missense variant replaces serine with glycine at codon 2161 of the APC protein. Computational prediction suggests that this variant may not impact protein structure and function (internally defined REVEL score threshold <= 0.5, PMID: 27666373). To our knowledge, functional studies have not been reported for this variant. This variant has not been reported in individuals affected with hereditary cancer in the literature. This variant has not been identified in the general population by the Genome Aggregation Database (gnomAD). The available evidence is insufficient to determine the role of this variant in disease conclusively. Therefore, this variant is classified as a Variant of Uncertain Significance.

This study involves interpretation of variants in research participants for the purpose of population health screening. Participant phenotype was not available at the time of variant classification. Additional details can be found in publication PMID: 35346344, PMCID: PMC8962531

GeneDx
Classification: Uncertain significance. Last evaluated: 2022-10-13. Review status: criteria provided, single submitter. Criteria: GeneDx Variant Classification Process June 2021. Collection method: clinical testing. Allele origin: germline. Affected: yes.
Comment: Not observed at significant frequency in large population cohorts (gnomAD); In silico analysis supports that this missense variant does not alter protein structure/function; Has not been previously published as pathogenic or benign to our knowledge